The following is an entry in ClinVar:

ClinVar aggregate classification (germline): Conflicting classifications of pathogenicity. Review status: criteria provided, conflicting classifications (1 of 4 stars). 4 submissions from 4 submitters: Uncertain significance (1); Likely benign (2). 1 of the submissions does not count toward it. Last evaluated 2025-05-23.

Conditions:
Frank-Ter Haar syndrome. Also called: TER HAAR SYNDROME; MELNICK-NEEDLES SYNDROME, AUTOSOMAL RECESSIVE; BORRONE DERMATOCARDIOSKELETAL SYNDROME; Borrone di Rocco Crovato syndrome. Identifiers: Orphanet 1266, Orphanet 137834, MedGen C1855305, MONDO:0009579, OMIM 249420.
SH3PXD2B-related disorder. Also called: SH3PXD2B-related condition.

Allele frequency attached by ClinVar (database versions not stated): TOPMed 0.00004; gnomAD 0.00006 and 0.00007.
gnomAD v4.1: 175 of 1,613,130 alleles (0.011%); highest among the groups gnomAD compares: Middle Eastern, 0.033%; no homozygotes.

Submissions (4):

Labcorp Genetics (formerly Invitae), Labcorp
Classification: Likely benign. Last evaluated: 2025-05-23. Review status: criteria provided, single submitter. Criteria: Invitae Variant Classification Sherloc (09022015). Collection method: clinical testing. Allele origin: germline.

Blueprint Genetics
Classification: Likely benign. Last evaluated: 2023-05-12. Review status: criteria provided, single submitter. Criteria: ACMG Guidelines, 2015. Collection method: clinical testing. Allele origin: germline.

Illumina Laboratory Services, Illumina
Classification: Uncertain significance for Frank-Ter Haar syndrome. Last evaluated: 2018-01-13. Review status: criteria provided, single submitter. Criteria: ICSL Variant Classification Criteria 13 December 2019. Collection method: clinical testing. Allele origin: germline.

PreventionGenetics, part of Exact Sciences
Classification: Likely benign for SH3PXD2B-related condition. Last evaluated: 2019-05-28. Review status: no assertion criteria provided. Collection method: clinical testing. Allele origin: germline. Not counted in ClinVar's aggregate classification.
Comment: This variant is classified as likely benign based on ACMG/AMP sequence variant interpretation guidelines (Richards et al. 2015 PMID: 25741868, with internal and published modifications).

NM_001017995.3(SH3PXD2B):c.1326C>T (p.His442=)

Gene: SH3PXD2B (SH3 and PX domains 2B; minus strand). Cytogenetic location: 5q35.1.
Variant type: single nucleotide variant.
Coding change: c.1326C>T on transcript NM_001017995.3 (MANE Select); coding-DNA position 1326, C replaced by T.
Protein change: p.His442=; no amino-acid change (histidine 442 retained).
Molecular consequence: synonymous variant. On other transcripts: intron variant (1).
Genome position (GRCh38, 1-based): chr5:172,339,779, G>A on the plus strand (C>T on the coding strand, the complement: SH3PXD2B is on the minus strand). VCF-style: chr5-172339779-G-A. GRCh37 (hg19) VCF-style: chr5-171766783-G-A.
Other names: c.1188+6357C>T (NM_001308175.2).
Identifiers: ClinVar variation 906311 (VCV000906311.14), dbSNP rs201324424, ClinGen allele CA3561216.